The following is an entry in ClinVar:

NM_001429.4(EP300):c.5028T>C (p.His1676=)

Gene: EP300 (EP300 lysine acetyltransferase; plus strand). Cytogenetic location: 22q13.2.
Variant type: single nucleotide variant.
Coding change: c.5028T>C on transcript NM_001429.4 (MANE Select); coding-DNA position 5028, T replaced by C.
Protein change: p.His1676=; no amino-acid change (histidine 1676 retained).
Molecular consequence: synonymous variant.
Genome position (GRCh38, 1-based): chr22:41,176,495, T>C. VCF-style: chr22-41176495-T-C. GRCh37 (hg19) VCF-style: chr22-41572499-T-C.
Other names: c.4950T>C, p.His1650= (NM_001362843.2).
Identifiers: ClinVar variation 2198539 (VCV002198539.29), dbSNP rs747152661, ClinGen allele CA10253563.
Genomic context (GRCh38, chr22:41,176,495, plus strand): 5'-GGAGCTGCACACGCAGAGCCAGGACCGCTTTGTCTACACCTGCAATGAATGCAAGCACCA[T>C]GTGGAGACACGCTGGCACTGTACTGTCTGTGAGGTAGGCACCGGGTTGTGGGAAGGAGGA-3'
Protein context (NP_001420.2, residues 1666-1686): FVYTCNECKH[His1676=]VETRWHCTVC

ClinVar aggregate classification (germline): Likely benign. Review status: criteria provided, multiple submitters, no conflicts (2 of 4 stars). 3 submissions from 3 submitters: Likely benign (2). 1 of the submissions does not count toward it. Last evaluated 2024-10-30.

Conditions:
EP300-related disorder. Also called: EP300-related condition; EP300-related disorders.
Rubinstein-Taybi syndrome due to EP300 haploinsufficiency. Also called: EP300-Related Rubinstein-Taybi Syndrome; RUBINSTEIN-TAYBI SYNDROME 2. Identifiers: Orphanet 353284, Orphanet 783, MedGen C3150941, MONDO:0013364, OMIM 613684.

Allele frequency attached by ClinVar (database versions not stated): gnomAD 0.00003; TOPMed 0.00003; gnomAD exomes 0.00004; ExAC 0.00005.
gnomAD v4.1: 61 of 1,613,910 alleles (0.0038%); highest among the groups gnomAD compares: Admixed American, 0.0033%; no homozygotes.

Submissions (3):

Labcorp Genetics (formerly Invitae), Labcorp
Classification: Likely benign for Rubinstein-Taybi syndrome due to EP300 haploinsufficiency. Last evaluated: 2024-10-30. Review status: criteria provided, single submitter. Criteria: Invitae Variant Classification Sherloc (09022015). Collection method: clinical testing. Allele origin: germline.

CeGaT Center for Human Genetics Tuebingen
Classification: Likely benign. Last evaluated: 2022-07-01. Review status: criteria provided, single submitter. Criteria: CeGaT Center For Human Genetics Tuebingen Variant Classification Criteria Version 2. Collection method: clinical testing. Allele origin: germline. Affected: yes. Observed: 1 variant allele.
Comment: EP300: BP4, BP7

PreventionGenetics, part of Exact Sciences
Classification: Likely benign for EP300-related condition. Last evaluated: 2021-10-15. Review status: no assertion criteria provided. Collection method: clinical testing. Allele origin: germline. Not counted in ClinVar's aggregate classification.
Comment: This variant is classified as likely benign based on ACMG/AMP sequence variant interpretation guidelines (Richards et al. 2015 PMID: 25741868, with internal and published modifications).